The following is an entry in ClinVar:

NM_000038.6(APC):c.1529_1530del (p.Phe510fs)

Gene: APC (APC regulator of Wnt signaling pathway; plus strand). Cytogenetic location: 5q22.2.
Variant type: Deletion.
Coding change: c.1529_1530del on transcript NM_000038.6 (MANE Select); coding-DNA positions 1529 to 1530, 2 bases deleted (TT; older notation c.1529_1530delTT).
Protein change: p.Phe510fs; shifts the reading frame from phenylalanine 510.
Molecular consequence: frameshift variant.
Genome position (GRCh38, 1-based): chr5:112,827,228-112,827,229, TT deleted; deleting any 2 consecutive bases within chr5:112,827,226-112,827,229 gives the same sequence; the c. name uses the placement nearest the transcript's 3' end. VCF-style (leftmost placement, unchanged base first): chr5-112827225-CTT-C. GRCh37 (hg19) VCF-style: chr5-112162922-CTT-C.
Other names: c.1529_1530del, p.Phe510fs (NM_001127510.3, NM_001354895.2); c.1475_1476del, p.Phe492fs (NM_001127511.3); c.1583_1584del, p.Phe528fs (NM_001354896.2); c.1559_1560del, p.Phe520fs (NM_001354897.2); c.1454_1455del, p.Phe485fs (NM_001354898.2); c.1445_1446del, p.Phe482fs (NM_001354899.2); c.1406_1407del, p.Phe469fs (NM_001354900.2); c.1352_1353del, p.Phe451fs (NM_001354901.2); and 5 more; short protein forms F409fs, F469fs, F492fs, F528fs, F485fs, F350fs, F451fs, F482fs.
Identifiers: ClinVar variation 819459 (VCV000819459.9), dbSNP rs1554081749, ClinGen allele CA915942602.
Genomic context (GRCh38, chr5:112,827,225, plus strand): 5'-CTAATGACCACTACAGTATTACACTAAGACGATATGCTGGAATGGCTTTGACAAACTTGA[CTT>C]TTGGAGATGTAGCCAACAAGGTATGTTTTTATAACATGTATTTCTTAAGATAGCTCAGGT-3'

ClinVar aggregate classification (germline): Pathogenic. Review status: criteria provided, multiple submitters, no conflicts (2 of 4 stars). 2 submissions from 2 submitters: Pathogenic (2). Last evaluated 2021-12-27.

Conditions:
Hereditary cancer-predisposing syndrome. Also called: Tumor predisposition; Hereditary neoplastic syndrome; Neoplastic Syndromes, Hereditary; Hereditary Cancer Syndrome. Identifiers: Orphanet 140162, MedGen C0027672, MeSH D009386, MONDO:0015356.
Familial adenomatous polyposis 1 (FAP1). Also called: FAMILIAL ADENOMATOUS POLYPOSIS 1, ATTENUATED; POLYPOSIS, ADENOMATOUS INTESTINAL. Identifiers: MedGen C2713442, MONDO:0021056, OMIM 175100. Disease mechanism: loss of function.

Submissions (2):

Labcorp Genetics (formerly Invitae), Labcorp
Classification: Pathogenic for Familial adenomatous polyposis 1. Last evaluated: 2021-12-27. Review status: criteria provided, single submitter. Criteria: Invitae Variant Classification Sherloc (09022015). Collection method: clinical testing. Allele origin: germline.
Comment: For these reasons, this variant has been classified as Pathogenic. ClinVar contains an entry for this variant (Variation ID: 819459). This premature translational stop signal has been observed in individual(s) with a personal and/or family history suspected of familial adenomatous polyposis (PMID: 23159591). This variant is not present in population databases (gnomAD no frequency). This sequence change creates a premature translational stop signal (p.Phe510Trpfs*26) in the APC gene. It is expected to result in an absent or disrupted protein product. Loss-of-function variants in APC are known to be pathogenic (PMID: 17963004, 20685668).

Ambry Genetics
Classification: Pathogenic for Hereditary cancer-predisposing syndrome. Last evaluated: 2018-08-29. Review status: criteria provided, single submitter. Criteria: Ambry Variant Classification Scheme 2023. Collection method: clinical testing. Allele origin: germline.
Comment: The c.1529_1530delTT pathogenic mutation, located in coding exon 11 of the APC gene, results from a deletion of two nucleotides at nucleotide positions 1529 to 1530, causing a translational frameshift with a predicted alternate stop codon (p.F510Wfs*26). In a large (n=1591) series of patients referred for APC testing, this alteration was detected in 1 individual (Kerr SE et al. J Mol Diagn, 2013 Jan;15:31-43). This alteration is expected to result in loss of function by premature protein truncation or nonsense-mediated mRNA decay. As such, this alteration is interpreted as a disease-causing mutation.

Literature cited by the submitters: PubMed 23159591 (cited by Labcorp Genetics (formerly Invitae), Labcorp and Ambry Genetics); PubMed 17963004 (cited by Labcorp Genetics (formerly Invitae), Labcorp); PubMed 20685668 (cited by Labcorp Genetics (formerly Invitae), Labcorp).